The following is an entry in ClinVar:

NM_000093.5(COL5A1):c.1333-3dup

Gene: COL5A1 (collagen type V alpha 1 chain; plus strand). Cytogenetic location: 9q34.3.
Variant type: Duplication.
Coding change: c.1333-3dup on transcript NM_000093.5 (MANE Select); 3 bases into the intron before coding-DNA position 1333, one base duplicated (C; older notation c.1333-3dupC).
Molecular consequence: intron variant.
Genome position (GRCh38, 1-based): chr9:134,732,068, C duplicated; the last of 5 consecutive C bases (chr9:134,732,064-134,732,068); duplicating any one gives the same sequence. VCF-style (leftmost placement, unchanged base first): chr9-134732063-A-AC. GRCh37 (hg19) VCF-style: chr9-137623909-A-AC.
Other names: p.?; c.1333-3dup (NM_001278074.1); c.1333-3dupC (NM_000093.4).
Identifiers: ClinVar variation 264321 (VCV000264321.18), dbSNP rs773903401, ClinGen allele CA5318733.

ClinVar aggregate classification (germline): Benign/Likely benign. Review status: criteria provided, multiple submitters, no conflicts (2 of 4 stars). 6 submissions from 5 submitters: Benign (3); Likely benign (2). 1 of the submissions does not count toward it. Last evaluated 2025-12-01.

Conditions:
Fibromuscular dysplasia, multifocal. Identifiers: MedGen C5543412, MONDO:0859151, OMIM 619329.
COL5A1-related disorder. Also called: COL5A1-related condition.
Ehlers-Danlos syndrome, classic type, 1 (EDSCL1). Also called: Ehlers-Danlos Syndrome, Classic Type, COL5A1-Related; EHLERS-DANLOS SYNDROME, GRAVIS TYPE; EHLERS-DANLOS SYNDROME, SEVERE CLASSIC TYPE; Ehlers-Danlos syndrome, type 1; EDS I. Identifiers: MedGen C0268335, MONDO:0019567, OMIM 130000.
Familial thoracic aortic aneurysm and aortic dissection (TAAD). Also called: Thoracic aortic aneurysms and dissections. Identifiers: Orphanet 91387, MedGen C4707243, MONDO:0019625.

Submissions (6):

Labcorp Genetics (formerly Invitae), Labcorp
Classification: Benign for Ehlers-Danlos syndrome, classic type, 1. Last evaluated: 2025-12-01. Review status: criteria provided, single submitter. Criteria: Invitae Variant Classification Sherloc (09022015). Collection method: clinical testing. Allele origin: germline.

Mayo Clinic Laboratories, Mayo Clinic
Classification: Likely benign. Last evaluated: 2024-12-20. Review status: criteria provided, single submitter. Criteria: ACMG Guidelines, 2015. Collection method: clinical testing. Allele origin: germline. Observed: 1 variant allele.
Comment: BP4, BP7

Genome-Nilou Lab
Classification: Benign for Ehlers-Danlos syndrome, classic type, 1. Last evaluated: 2022-03-15. Review status: criteria provided, single submitter. Criteria: ACMG Guidelines, 2015. Collection method: clinical testing. Allele origin: germline. Affected: no.

Genome-Nilou Lab
Classification: Benign for Fibromuscular dysplasia, multifocal. Last evaluated: 2022-03-15. Review status: criteria provided, single submitter. Criteria: ACMG Guidelines, 2015. Collection method: clinical testing. Allele origin: germline. Affected: no.

Ambry Genetics
Classification: Likely benign for Familial thoracic aortic aneurysm and aortic dissection. Last evaluated: 2020-05-21. Review status: criteria provided, single submitter. Criteria: Ambry Variant Classification Scheme 2023. Collection method: clinical testing. Allele origin: germline.

PreventionGenetics, part of Exact Sciences
Classification: Likely benign for COL5A1-related condition. Last evaluated: 2022-03-10. Review status: no assertion criteria provided. Collection method: clinical testing. Allele origin: germline. Not counted in ClinVar's aggregate classification.
Comment: This variant is classified as likely benign based on ACMG/AMP sequence variant interpretation guidelines (Richards et al. 2015 PMID: 25741868, with internal and published modifications).